The following is an entry in ClinVar:

ClinVar aggregate classification (germline): Uncertain significance (1 of 4 stars; one submission).

Conditions:
Combined oxidative phosphorylation defect type 15. Also called: Combined oxidative phosphorylation deficiency 15. Identifiers: Orphanet 319524, MedGen C4706313, MONDO:0013987, OMIM 614947.

Submission:

Baylor Genetics
Classification: Uncertain significance for Combined oxidative phosphorylation defect type 15. Last evaluated: 2020-04-02. Review status: criteria provided, single submitter. Criteria: ACMG Guidelines, 2015. Collection method: clinical testing. Allele origin: unknown. Affected: yes.
Comment: This variant was determined to be of uncertain significance according to ACMG Guidelines, 2015 [PMID:25741868].

NM_139242.4(MTFMT):c.466C>T (p.Pro156Ser)

Gene: MTFMT (mitochondrial methionyl-tRNA formyltransferase; minus strand). Cytogenetic location: 15q22.31.
Variant type: single nucleotide variant.
Coding change: c.466C>T on transcript NM_139242.4 (MANE Select); coding-DNA position 466, C replaced by T.
Protein change: p.Pro156Ser; replaces proline 156 with serine.
Molecular consequence: missense variant.
Genome position (GRCh38, 1-based): chr15:65,023,748, G>A on the plus strand (C>T on the coding strand, the complement: MTFMT is on the minus strand). VCF-style: chr15-65023748-G-A. GRCh37 (hg19) VCF-style: chr15-65316086-G-A.
Other names: short protein forms P156S.
Identifiers: ClinVar variation 1027739 (VCV001027739.1), dbSNP rs2086395834, ClinGen allele CA392856253.